The following is an entry in ClinVar:

NM_018489.3(ASH1L):c.2969A>G (p.Lys990Arg)

Gene: ASH1L (ASH1 like histone lysine methyltransferase; minus strand). Cytogenetic location: 1q22.
Variant type: single nucleotide variant.
Coding change: c.2969A>G on transcript NM_018489.3 (MANE Select); coding-DNA position 2969, A replaced by G.
Protein change: p.Lys990Arg; replaces lysine 990 with arginine.
Molecular consequence: missense variant.
Genome position (GRCh38, 1-based): chr1:155,479,901, T>C on the plus strand (A>G on the coding strand, the complement: ASH1L is on the minus strand). VCF-style: chr1-155479901-T-C. GRCh37 (hg19) VCF-style: chr1-155449692-T-C.
Other names: c.2969A>G, p.Lys990Arg (NM_001366177.2); short protein forms K990R.
Identifiers: ClinVar variation 3381533 (VCV003381533.1).

ClinVar aggregate classification (germline): Uncertain significance (1 of 4 stars; one submission).

Submission:

GeneDx
Classification: Uncertain significance. Last evaluated: 2024-05-15. Review status: criteria provided, single submitter. Criteria: GeneDx Variant Classification Process June 2021. Collection method: clinical testing. Allele origin: germline. Affected: yes.
Comment: Not observed at significant frequency in large population cohorts (gnomAD); In silico analysis indicates that this missense variant does not alter protein structure/function; Has not been previously published as pathogenic or benign to our knowledge